The following is an entry in ClinVar:

ClinVar aggregate classification (germline): Uncertain significance (1 of 4 stars; one submission).

Conditions:
Early-infantile DEE. Also called: Early infantile epileptic encephalopathy; Ohtahara syndrome; Early infantile epileptic encephalopathy with suppression bursts. Identifiers: Orphanet 1934, MedGen C0393706, MONDO:0800491.

Submission:

Labcorp Genetics (formerly Invitae), Labcorp
Classification: Uncertain significance for Early-infantile DEE. Last evaluated: 2022-09-06. Review status: criteria provided, single submitter. Criteria: Invitae Variant Classification Sherloc (09022015). Collection method: clinical testing. Allele origin: germline.
Comment: In summary, the available evidence is currently insufficient to determine the role of this variant in disease. Therefore, it has been classified as a Variant of Uncertain Significance. Advanced modeling of protein sequence and biophysical properties (such as structural, functional, and spatial information, amino acid conservation, physicochemical variation, residue mobility, and thermodynamic stability) performed at Invitae indicates that this missense variant is expected to disrupt HCN1 protein function. ClinVar contains an entry for this variant (Variation ID: 937761). This variant has not been reported in the literature in individuals affected with HCN1-related conditions. This variant is not present in population databases (gnomAD no frequency). This sequence change replaces leucine, which is neutral and non-polar, with isoleucine, which is neutral and non-polar, at codon 265 of the HCN1 protein (p.Leu265Ile).

NM_021072.4(HCN1):c.793C>A (p.Leu265Ile)

Gene: HCN1 (hyperpolarization activated cyclic nucleotide gated potassium channel 1; minus strand). Cytogenetic location: 5p12.
Variant type: single nucleotide variant.
Coding change: c.793C>A on transcript NM_021072.4 (MANE Select); coding-DNA position 793, C replaced by A.
Protein change: p.Leu265Ile; replaces leucine 265 with isoleucine.
Molecular consequence: missense variant.
Genome position (GRCh38, 1-based): chr5:45,645,241, G>T on the plus strand (C>A on the coding strand, the complement: HCN1 is on the minus strand). VCF-style: chr5-45645241-G-T. GRCh37 (hg19) VCF-style: chr5-45645343-G-T.
Other names: short protein forms L265I.
Identifiers: ClinVar variation 937761 (VCV000937761.10), dbSNP rs1745528201, ClinGen allele CA359707100.